The following is an entry in ClinVar:

NM_007194.4(CHEK2):c.1095+35G>A

Gene: CHEK2 (checkpoint kinase 2; minus strand). Cytogenetic location: 22q12.1.
Variant type: single nucleotide variant.
Coding change: c.1095+35G>A on transcript NM_007194.4 (MANE Select); 35 bases into the intron after coding-DNA position 1095, G replaced by A.
Molecular consequence: intron variant.
Genome position (GRCh38, 1-based): chr22:28,696,866, C>T on the plus strand (G>A on the coding strand, the complement: CHEK2 is on the minus strand). VCF-style: chr22-28696866-C-T. GRCh37 (hg19) VCF-style: chr22-29092854-C-T.
Other names: c.432+35G>A (NM_001437942.1, NM_001257387.3); c.894+35G>A (NM_001349956.3); c.1009-993G>A (NM_145862.3); c.1102-993G>A (NM_001438295.1); c.1188+35G>A (NM_001438293.1); c.1138-993G>A (NM_001438294.1); c.1224+35G>A (NM_001005735.3).
Identifiers: ClinVar variation 3765138 (VCV003765138.1).

ClinVar aggregate classification (germline): Likely benign (1 of 4 stars; one submission).

gnomAD v4.1: 13 of 1,354,810 alleles (0.00096%); highest among the groups gnomAD compares: African/African-American, 0.0014%; no homozygotes.

Submission:

Center for Genomic Medicine, Rigshospitalet, Copenhagen University Hospital
Classification: Likely benign. Last evaluated: 2025-03-04. Review status: criteria provided, single submitter. Criteria: ACMG Guidelines, 2015. Collection method: clinical testing. Allele origin: germline.
Comment: Classification criteria: BP4